The following is an entry in ClinVar:

NM_014297.5(ETHE1):c.227-2A>C

Gene: ETHE1 (ETHE1 persulfide dioxygenase; minus strand). Cytogenetic location: 19q13.31.
Variant type: single nucleotide variant.
Coding change: c.227-2A>C on transcript NM_014297.5 (MANE Select); the canonical splice acceptor site of the intron before coding-DNA position 227, A replaced by C.
Molecular consequence: splice acceptor variant. On other transcripts: intron variant (3).
Genome position (GRCh38, 1-based): chr19:43,526,351, T>G on the plus strand (A>C on the coding strand, the complement: ETHE1 is on the minus strand). VCF-style: chr19-43526351-T-G. GRCh37 (hg19) VCF-style: chr19-44030503-T-G.
Other names: c.81+746A>C (NM_001320869.2); c.6+164A>C (NM_001320868.2); c.227-35A>C (NM_001320867.2).
Identifiers: ClinVar variation 2440114 (VCV002440114.7), dbSNP rs370880966, ClinGen allele CA9487909.

ClinVar aggregate classification (germline): Likely pathogenic. Review status: criteria provided, multiple submitters, no conflicts (2 of 4 stars). 3 submissions from 3 submitters: Likely pathogenic (3). Last evaluated 2023-10-03.

Conditions:
Ethylmalonic encephalopathy (EE). Also called: EPEMA syndrome; Encephalopathy, petechiae, and ethylmalonic aciduria; Syndrome of encephalopathy, petechiae, and ethylmalonic aciduria. Identifiers: Orphanet 51188, MedGen C1865349, MONDO:0011229, OMIM 602473. Disease mechanism: loss of function.

Allele frequency attached by ClinVar (database versions not stated): ExAC 0.00001.

Submissions (3):

Baylor Genetics
Classification: Likely pathogenic for Ethylmalonic encephalopathy. Last evaluated: 2023-10-03. Review status: criteria provided, single submitter. Criteria: ACMG Guidelines, 2015. Collection method: clinical testing. Allele origin: unknown.

Labcorp Genetics (formerly Invitae), Labcorp
Classification: Likely pathogenic for Ethylmalonic encephalopathy. Last evaluated: 2023-05-02. Review status: criteria provided, single submitter. Criteria: Invitae Variant Classification Sherloc (09022015). Collection method: clinical testing. Allele origin: germline.
Comment: In summary, the currently available evidence indicates that the variant is pathogenic, but additional data are needed to prove that conclusively. Therefore, this variant has been classified as Likely Pathogenic. Algorithms developed to predict the effect of sequence changes on RNA splicing suggest that this variant may disrupt the consensus splice site. ClinVar contains an entry for this variant (Variation ID: 2440114). This variant has not been reported in the literature in individuals affected with ETHE1-related conditions. This variant is present in population databases (rs370880966, gnomAD 0.0009%). This sequence change affects an acceptor splice site in intron 2 of the ETHE1 gene. It is expected to disrupt RNA splicing. Variants that disrupt the donor or acceptor splice site typically lead to a loss of protein function (PMID: 16199547), and loss-of-function variants in ETHE1 are known to be pathogenic (PMID: 14732903, 19136963).

Revvity Omics, Revvity
Classification: Likely pathogenic for Ethylmalonic encephalopathy. Last evaluated: 2021-11-30. Review status: criteria provided, single submitter. Criteria: ACMG Guidelines, 2015. Collection method: clinical testing. Allele origin: germline.

Literature cited by the submitters: PubMed 16199547 (cited by Labcorp Genetics (formerly Invitae), Labcorp); PubMed 14732903 (cited by Labcorp Genetics (formerly Invitae), Labcorp); PubMed 19136963 (cited by Labcorp Genetics (formerly Invitae), Labcorp).